The following is an entry in ClinVar:

NM_003119.4(SPG7):c.1324+2T>G

Gene: SPG7 (SPG7 matrix AAA peptidase subunit, paraplegin; plus strand). Cytogenetic location: 16q24.3.
Variant type: single nucleotide variant.
Coding change: c.1324+2T>G on transcript NM_003119.4 (MANE Select); the canonical splice donor site of the intron after coding-DNA position 1324, T replaced by G.
Molecular consequence: splice donor variant.
Genome position (GRCh38, 1-based): chr16:89,532,638, T>G. VCF-style: chr16-89532638-T-G. GRCh37 (hg19) VCF-style: chr16-89599046-T-G.
Other names: c.1324+2T>G (NM_001363850.1, NM_199367.3, NM_199367.1).
Identifiers: ClinVar variation 1506028 (VCV001506028.9), dbSNP rs1597635592, ClinGen allele CA397421399.

ClinVar aggregate classification (germline): Pathogenic/Likely pathogenic. Review status: criteria provided, multiple submitters, no conflicts (2 of 4 stars). 2 submissions from 2 submitters: Pathogenic (1); Likely pathogenic (1). Last evaluated 2023-11-20.

Conditions:
Hereditary spastic paraplegia 7 (SPG7). Also called: SPASTIC PARAPLEGIA 7, AUTOSOMAL RECESSIVE, WITH OR WITHOUT CEREBELLAR ATAXIA; Spastic paraplegia 7; Hereditary spastic paraplegia Paraplegin type; Autosomal recessive spastic paraplegia type 7; SPG7-related neurologic disorder. Identifiers: Orphanet 99013, MedGen C1846564, MONDO:0011803, OMIM 607259.

Submissions (2):

Suna and Inan Kirac Foundation Neurodegeneration Research Laboratory, Koc University
Classification: Pathogenic for Hereditary spastic paraplegia 7. Last evaluated: 2023-11-20. Review status: criteria provided, single submitter. Criteria: ACMG Guidelines, 2015. Collection method: research. Allele origin: germline. Inheritance: Autosomal recessive inheritance. Affected: yes and no. Observed: 6 variant alleles, 4 heterozygotes, 2 homozygotes.

Labcorp Genetics (formerly Invitae), Labcorp
Classification: Likely pathogenic for Hereditary spastic paraplegia 7. Last evaluated: 2022-02-01. Review status: criteria provided, single submitter. Criteria: Invitae Variant Classification Sherloc (09022015). Collection method: clinical testing. Allele origin: germline.
Comment: In summary, the currently available evidence indicates that the variant is pathogenic, but additional data are needed to prove that conclusively. Therefore, this variant has been classified as Likely Pathogenic. Algorithms developed to predict the effect of sequence changes on RNA splicing suggest that this variant may disrupt the consensus splice site. This variant has not been reported in the literature in individuals affected with SPG7-related conditions. This variant is not present in population databases (gnomAD no frequency). This sequence change affects a donor splice site in intron 9 of the SPG7 gene. It is expected to disrupt RNA splicing. Variants that disrupt the donor or acceptor splice site typically lead to a loss of protein function (PMID: 16199547), and loss-of-function variants in SPG7 are known to be pathogenic (PMID: 21623769, 22964162).

Literature cited by the submitters: PubMed 16199547 (cited by Labcorp Genetics (formerly Invitae), Labcorp); PubMed 21623769 (cited by Labcorp Genetics (formerly Invitae), Labcorp); PubMed 22964162 (cited by Labcorp Genetics (formerly Invitae), Labcorp).